The following continues an entry in ClinVar:

NM_000492.4(CFTR):c.1865G>A (p.Gly622Asp)

Gene: CFTR. ClinVar aggregate classification (germline): Conflicting classifications of pathogenicity. Pathogenic (16); Likely pathogenic (10); Uncertain significance (1).

Submissions 22 to 29 of 29:

Fulgent Genetics
Classification: Pathogenic for Hereditary pancreatitis; Bronchiectasis with or without elevated sweat chloride 1; Cystic fibrosis; Congenital bilateral aplasia of vas deferens from CFTR mutation. Last evaluated: 2018-10-31. Review status: criteria provided, single submitter. Criteria: ACMG Guidelines, 2015. Collection method: clinical testing. Allele origin: unknown.

Eurofins Ntd Llc (ga)
Classification: Pathogenic. Last evaluated: 2018-05-15. Review status: criteria provided, single submitter. Criteria: EGL ClinVar v180209 classification definitions. Collection method: clinical testing. Allele origin: germline. Observed: 18 variant alleles, 18 heterozygotes.

CFTR-France
Classification: Pathogenic for cystic fibrosis; CFTR-related disorders. Last evaluated: 2018-01-29. Review status: criteria provided, single submitter. Criteria: Claustres M et al. (Hum Mutat 2017). Collection method: curation. Allele origin: germline. Affected: yes.
Comment: when the variant is in trans with another CF-causing variation, can either result in CF or in a CFTR-RD

Illumina Laboratory Services, Illumina
Classification: Pathogenic for CFTR-Related Disorders. Last evaluated: 2017-04-28. Review status: criteria provided, single submitter. Criteria: ICSL Variant Classification Criteria 09 May 2019. Collection method: clinical testing. Allele origin: germline.
Comment: The CFTR c.1865G>A (p.Gly622Asp) missense variant was reported in a total of 22 patients including 11 in a compound heterozygous state (five of whom carried one of two well-established pathogenic variants p.Phe508del or p.Tyr122Ter as the second variant), and ten in a heterozygous state with clinical presentations including classic cystic fibrosis (CF) with and without pancreatic sufficiency, male infertility, and fetal echogenic bowel and one in a heterozygous state with oligospermia (Vankeerberghen et al. 1998; Marion et al. 2015). The p.Gly622Asp variant was absent from 400 controls but was identified in three of 412 healthy individuals in a heterozygous state (Masson et al. 2013). The variant is reported at a frequency of 0.00091 in the African population of the Exome Aggregation Consortium database. Functional studies in COS1, COS7 and HEK 293 cells demonstrated that the p.Gly622Asp variant resulted in abnormal intracellular trafficking and reduced CFTR activity (Vankeerberghen et al. 1998; Norez et al. 2008; Billet et al. 2010). Based on the collective evidence, the p.Gly622Asp variant is classified as pathogenic for CFTR-related disorders. This variant was observed by ICSL as part of a predisposition screen in an ostensibly healthy population.

Laboratory for Molecular Medicine, Mass General Brigham Personalized Medicine
Classification: Likely pathogenic for Cystic fibrosis. Last evaluated: 2015-12-07. Review status: criteria provided, single submitter. Criteria: LMM Criteria. Collection method: clinical testing. Allele origin: germline. Inheritance: Autosomal recessive inheritance. Observed: 1 variant allele.
Comment: The p.Gly622Asp variant in CFTR has been reported in 8 compound heterozygous ind ividuals with CFTR-related disorders who had a pathogenic variant on the second allele (Marion 2014). Four of these individuals had classic cystic fibrosis, whe reas the other four had azoospermia or oligospermia only. In vitro functional st udies provide some evidence that the p.Gly622Asp variant may impact protein func tion (Norez 2008, Billet 2010), although these types of assays may not accuratel y represent biological function. This variant has also been identified in 9/9888 of African chromosomes by the Exome Aggregation Consortium (ExAC; dbSNP rs121908759). While this variant has been identified in the general population, its frequency is consistent with a recessive carrier fr equency. Computational prediction tools and conservation analysis also suggest t hat the p.Gly622Asp variant may impact the protein, though this information is n ot predictive enough to determine pathogenicity. In summary, although additional studies are required to fully establish its clinical significance, the p.Gly622 Asp variant is likely pathogenic for CFTR-related disorders with the phenotypic spectrum ranging from male infertility to classic cystic fibrosis.

Baylor Genetics
Classification: Likely pathogenic for Congenital bilateral aplasia of vas deferens from CFTR mutation; Cystic fibrosis. Review status: criteria provided, single submitter. Criteria: ACMG Guidelines, 2015. Collection method: clinical testing. Allele origin: germline.

Genome Diagnostics Laboratory, The Hospital for Sick Children
Classification: Likely pathogenic for CFTR-related disorders. Last evaluated: 2021-12-25. Review status: no assertion criteria provided. Collection method: clinical testing. Allele origin: germline. Not counted in ClinVar's aggregate classification.

Women's Health and Genetics/Laboratory Corporation of America, LabCorp
Classification: Pathogenic for Cystic Fibrosis. Last evaluated: 2015-04-03. Review status: no assertion criteria provided. Collection method: clinical testing. Allele origin: germline. Not counted in ClinVar's aggregate classification.

Literature cited by the submitters: PubMed 9736778 (cited by 8 submitters); PubMed 16596947 (cited by Labcorp Genetics (formerly Invitae), Labcorp and Quest Diagnostics Nichols Institute San Juan Capistrano); PubMed 17329263 (cited by Labcorp Genetics (formerly Invitae), Labcorp); PubMed 19833837 (cited by 4 submitters); PubMed 19914431 (cited by 3 submitters); PubMed 25443471 (cited by 9 submitters); PubMed 18230692 (cited by 7 submitters); PubMed 20435887 (cited by 5 submitters); PubMed 20932301 (cited by Labcorp Genetics (formerly Invitae), Labcorp); PubMed 29805046 (cited by 6 submitters); PubMed 30046002 (cited by 3 submitters); PubMed 36409994 (cited by Quest Diagnostics Nichols Institute San Juan Capistrano); PubMed 38167091 (cited by Quest Diagnostics Nichols Institute San Juan Capistrano); PubMed 30609409 (cited by 3 submitters); PubMed 35171259 (cited by Quest Diagnostics Nichols Institute San Juan Capistrano); PubMed 15354332 (cited by Ambry Genetics); PubMed 31589614 (cited by AiLife Diagnostics); PubMed 22975760 (cited by AiLife Diagnostics); PubMed 32777524 (cited by AiLife Diagnostics and Sema4); PubMed 25489051 (cited by AiLife Diagnostics); PubMed 23951356 (cited by 3 submitters); PubMed 30420730 (cited by Sema4); PubMed 24451227 (cited by Sema4).